The following is an entry in ClinVar:

NM_020778.5(ALPK3):c.667C>T (p.Arg223Ter)

Gene: ALPK3 (alpha kinase 3; plus strand). Cytogenetic location: 15q25.3.
Variant type: single nucleotide variant.
Coding change: c.667C>T on transcript NM_020778.5 (MANE Select); coding-DNA position 667, C replaced by T.
Protein change: p.Arg223Ter; replaces arginine 223 with a stop codon.
Molecular consequence: nonsense.
Genome position (GRCh38, 1-based): chr15:84,839,946, C>T. VCF-style: chr15-84839946-C-T. GRCh37 (hg19) VCF-style: chr15-85383177-C-T.
Other names: short protein forms R223*.
Identifiers: ClinVar variation 2806449 (VCV002806449.3), dbSNP rs2505705246, ClinGen allele CA393373265.

ClinVar aggregate classification (germline): Pathogenic (1 of 4 stars; one submission).

Submission:

Labcorp Genetics (formerly Invitae), Labcorp
Classification: Pathogenic. Last evaluated: 2024-03-16. Review status: criteria provided, single submitter. Criteria: Invitae Variant Classification Sherloc (09022015). Collection method: clinical testing. Allele origin: germline.
Comment: This sequence change creates a premature translational stop signal (p.Arg425*) in the ALPK3 gene. It is expected to result in an absent or disrupted protein product. Loss-of-function variants in ALPK3 are known to be pathogenic (PMID: 21441111, 26846950, 27106955, 34263907). This variant is not present in population databases (gnomAD no frequency). This variant has not been reported in the literature in individuals affected with ALPK3-related conditions. For these reasons, this variant has been classified as Pathogenic.

Literature cited by the submitters: PubMed 21441111; PubMed 26846950; PubMed 27106955; PubMed 34263907.